The following is an entry in ClinVar:

NM_000059.4(BRCA2):c.3974C>T (p.Thr1325Ile)

Gene: BRCA2 (BRCA2 DNA repair associated; plus strand). Cytogenetic location: 13q13.1.
Variant type: single nucleotide variant.
Coding change: c.3974C>T on transcript NM_000059.4 (MANE Select); coding-DNA position 3974, C replaced by T.
Protein change: p.Thr1325Ile; replaces threonine 1325 with isoleucine.
Molecular consequence: missense variant.
Genome position (GRCh38, 1-based): chr13:32,338,329, C>T. VCF-style: chr13-32338329-C-T. GRCh37 (hg19) VCF-style: chr13-32912466-C-T.
Other names: short protein forms T1325I.
Identifiers: ClinVar variation 824451 (VCV000824451.9), dbSNP rs1593901084, ClinGen allele CA387778943.

ClinVar aggregate classification (germline): Conflicting classifications of pathogenicity. Review status: criteria provided, conflicting classifications (1 of 4 stars). 3 submissions from 3 submitters: Uncertain significance (2); Likely benign (1). Last evaluated 2024-06-19.

Conditions:
Hereditary breast ovarian cancer syndrome. Also called: Hereditary breast and ovarian cancer syndrome; Hereditary breast and ovarian cancer; Hereditary breast and ovarian cancer syndrome (HBOC); Breast and ovarian cancer; Hereditary breast and/or ovarian cancer syndrome; BRCA1- and BRCA2-Associated Hereditary Breast and Ovarian Cancer. Identifiers: Orphanet 145, MedGen C0677776, MeSH D061325, MONDO:0003582. Disease mechanism: loss of function.
Hereditary cancer-predisposing syndrome. Also called: Neoplastic Syndromes, Hereditary; Tumor predisposition; Hereditary neoplastic syndrome; Hereditary Cancer Syndrome. Identifiers: Orphanet 140162, MedGen C0027672, MeSH D009386, MONDO:0015356.

Submissions (3):

Labcorp Genetics (formerly Invitae), Labcorp
Classification: Uncertain significance for Hereditary breast ovarian cancer syndrome. Last evaluated: 2024-06-19. Review status: criteria provided, single submitter. Criteria: Invitae Variant Classification Sherloc (09022015). Collection method: clinical testing. Allele origin: germline.
Comment: This sequence change replaces threonine, which is neutral and polar, with isoleucine, which is neutral and non-polar, at codon 1325 of the BRCA2 protein (p.Thr1325Ile). This variant is not present in population databases (gnomAD no frequency). This variant has not been reported in the literature in individuals affected with BRCA2-related conditions. ClinVar contains an entry for this variant (Variation ID: 824451). Advanced modeling of protein sequence and biophysical properties (such as structural, functional, and spatial information, amino acid conservation, physicochemical variation, residue mobility, and thermodynamic stability) performed at Invitae indicates that this missense variant is not expected to disrupt BRCA2 protein function with a negative predictive value of 95%. In summary, the available evidence is currently insufficient to determine the role of this variant in disease. Therefore, it has been classified as a Variant of Uncertain Significance.

University of Washington Department of Laboratory Medicine, University of Washington
Classification: Likely benign for Hereditary cancer-predisposing syndrome. Last evaluated: 2023-03-23. Review status: criteria provided, single submitter. Criteria: Dines et al. (Genet Med. 2020). Collection method: curation. Allele origin: germline.
Comment: Missense variant in a coldspot region where missense variants are very unlikely to be pathogenic (PMID:31911673).

BRCA2 exon 11 coldspot. Reclassification based on statistical prior probability.

Ambry Genetics
Classification: Uncertain significance for Hereditary cancer-predisposing syndrome. Last evaluated: 2019-04-12. Review status: criteria provided, single submitter. Criteria: Ambry Variant Classification Scheme 2023. Collection method: clinical testing. Allele origin: germline.
Comment: The p.T1325I variant (also known as c.3974C>T), located in coding exon 10 of the BRCA2 gene, results from a C to T substitution at nucleotide position 3974. The threonine at codon 1325 is replaced by isoleucine, an amino acid with similar properties. This amino acid position is not well conserved in available vertebrate species. In addition, this alteration is predicted to be tolerated by in silico analysis. Since supporting evidence is limited at this time, the clinical significance of this alteration remains unclear.